The following is an entry in ClinVar:

ClinVar aggregate classification (germline): Pathogenic (1 of 4 stars; one submission).

Submission:

Labcorp Genetics (formerly Invitae), Labcorp
Classification: Pathogenic. Last evaluated: 2024-01-22. Review status: criteria provided, single submitter. Criteria: Invitae Variant Classification Sherloc (09022015). Collection method: clinical testing. Allele origin: germline.
Comment: This sequence change creates a premature translational stop signal (p.Gln1946Hisfs*3) in the MYO15A gene. It is expected to result in an absent or disrupted protein product. Loss-of-function variants in MYO15A are known to be pathogenic (PMID: 17546645). This variant is not present in population databases (gnomAD no frequency). This variant has not been reported in the literature in individuals affected with MYO15A-related conditions. For these reasons, this variant has been classified as Pathogenic.

Literature cited by the submitters: PubMed 17546645.

NM_016239.4(MYO15A):c.5838del (p.Gln1946fs)

Gene: MYO15A (myosin XVA; plus strand). Cytogenetic location: 17p11.2.
Variant type: Deletion.
Coding change: c.5838del on transcript NM_016239.4 (MANE Select); coding-DNA position 5838, one base deleted (G; older notation c.5838delG).
Protein change: p.Gln1946fs; shifts the reading frame from glutamine 1946.
Molecular consequence: frameshift variant.
Genome position (GRCh38, 1-based): chr17:18,142,768, G deleted. VCF-style (leftmost placement, unchanged base first): chr17-18142767-AG-A. GRCh37 (hg19) VCF-style: chr17-18046081-AG-A.
Other names: short protein forms Q1946fs.
Identifiers: ClinVar variation 2781750 (VCV002781750.3), dbSNP rs2545261867, ClinGen allele CA2739267224.